The following is an entry in ClinVar:

NM_017514.5(PLXNA3):c.891G>C (p.Leu297=)

Gene: PLXNA3 (plexin A3; plus strand). Cytogenetic location: Xq28.
Variant type: single nucleotide variant.
Coding change: c.891G>C on transcript NM_017514.5 (MANE Select); coding-DNA position 891, G replaced by C.
Protein change: p.Leu297=; no amino-acid change (leucine 297 retained).
Molecular consequence: synonymous variant.
Genome position (GRCh38, 1-based): chrX:154,461,395, G>C. VCF-style: chrX-154461395-G-C. GRCh37 (hg19) VCF-style: chrX-153689735-G-C.
Identifiers: ClinVar variation 3355484 (VCV003355484.1).

ClinVar aggregate classification (germline): Likely benign (0 of 4 stars; one submission).

Conditions:
PLXNA3-related disorder. Also called: PLXNA3-related condition.

gnomAD v4.1: 9 of 1,210,544 alleles (0.00074%); highest among the groups gnomAD compares: Admixed American, 0.02%; no homozygotes.

Submission:

PreventionGenetics, part of Exact Sciences
Classification: Likely benign for PLXNA3-related condition. Last evaluated: 2024-02-13. Review status: no assertion criteria provided. Collection method: clinical testing. Allele origin: germline.
Comment: This variant is classified as likely benign based on ACMG/AMP sequence variant interpretation guidelines (Richards et al. 2015 PMID: 25741868, with internal and published modifications).